The following is an entry in ClinVar:

ClinVar aggregate classification (germline): Uncertain significance (1 of 4 stars; one submission).

Submission:

Labcorp Genetics (formerly Invitae), Labcorp
Classification: Uncertain significance. Last evaluated: 2024-04-05. Review status: criteria provided, single submitter. Criteria: Invitae Variant Classification Sherloc (09022015). Collection method: clinical testing. Allele origin: germline.
Comment: This sequence change replaces phenylalanine, which is neutral and non-polar, with leucine, which is neutral and non-polar, at codon 1347 of the COL4A6 protein (p.Phe1347Leu). This variant is not present in population databases (gnomAD no frequency). This variant has not been reported in the literature in individuals affected with COL4A6-related conditions. Advanced modeling of protein sequence and biophysical properties (such as structural, functional, and spatial information, amino acid conservation, physicochemical variation, residue mobility, and thermodynamic stability) performed at Invitae indicates that this missense variant is not expected to disrupt COL4A6 protein function with a negative predictive value of 80%. In summary, the available evidence is currently insufficient to determine the role of this variant in disease. Therefore, it has been classified as a Variant of Uncertain Significance.

NM_033641.4(COL4A6):c.4036T>C (p.Phe1346Leu)

Gene: COL4A6 (collagen type IV alpha 6 chain; minus strand). Cytogenetic location: Xq22.3.
Variant type: single nucleotide variant.
Coding change: c.4036T>C on transcript NM_033641.4 (MANE Select); coding-DNA position 4036, T replaced by C.
Protein change: p.Phe1346Leu; replaces phenylalanine 1346 with leucine.
Molecular consequence: missense variant. On other transcripts: intron variant (1).
Genome position (GRCh38, 1-based): chrX:108,164,633, A>G on the plus strand (T>C on the coding strand, the complement: COL4A6 is on the minus strand). VCF-style: chrX-108164633-A-G. GRCh37 (hg19) VCF-style: chrX-107407863-A-G.
Other names: c.4087T>C, p.Phe1363Leu (NM_001287758.2); c.3964T>C, p.Phe1322Leu (NM_001287759.2); c.4039T>C, p.Phe1347Leu (NM_001847.4); c.3898+244T>C (NM_001287760.2); short protein forms F1346L, F1347L, F1363L, F1322L.
Identifiers: ClinVar variation 3648896 (VCV003648896.2).